The following is an entry in ClinVar:

NM_001386135.1(AFF3):c.2049C>G (p.Ser683=)

Gene: AFF3 (ALF transcription elongation factor 3; minus strand). Cytogenetic location: 2q11.2.
Variant type: single nucleotide variant.
Coding change: c.2049C>G on transcript NM_001386135.1 (MANE Select); coding-DNA position 2049, C replaced by G.
Protein change: p.Ser683=; no amino-acid change (serine 683 retained).
Molecular consequence: synonymous variant.
Genome position (GRCh38, 1-based): chr2:99,593,612, G>C on the plus strand (C>G on the coding strand, the complement: AFF3 is on the minus strand). VCF-style: chr2-99593612-G-C. GRCh37 (hg19) VCF-style: chr2-100210074-G-C.
Other names: c.2124C>G, p.Ser708= (NM_001025108.2); c.2049C>G, p.Ser683= (NM_002285.3).
Identifiers: ClinVar variation 4853120 (VCV004853120.1).

ClinVar aggregate classification (germline): Benign (1 of 4 stars; one submission).

gnomAD v4.1: 321,435 of 1,610,992 alleles (20%); highest among the groups gnomAD compares: South Asian, 24%; 33,248 homozygotes.

Submission:

Women's Health and Genetics/Laboratory Corporation of America, LabCorp
Classification: Benign. Last evaluated: 2026-05-13. Review status: criteria provided, single submitter. Criteria: LabCorp Variant Classification Summary - May 2015. Collection method: clinical testing. Allele origin: germline.
Comment: Variant summary: AFF3 c.2049C>G alters a conserved nucleotide resulting in a synonymous change. The variant allele was found at a frequency of 0.18 in 246988 control chromosomes in the gnomAD database, including 4529 homozygotes. The observed variant frequency exceeds the estimated maximal expected allele frequency for disease-causing variants in AFF3. No submitters have cited clinical-significance assessments for this variant to ClinVar. Based on the evidence outlined above, the variant was classified as benign.